The following is an entry in ClinVar:

NM_022552.5(DNMT3A):c.1110C>T (p.Tyr370=)

Gene: DNMT3A (DNA methyltransferase 3 alpha; minus strand). Cytogenetic location: 2p23.3.
Variant type: single nucleotide variant.
Coding change: c.1110C>T on transcript NM_022552.5 (MANE Select); coding-DNA position 1110, C replaced by T.
Protein change: p.Tyr370=; no amino-acid change (tyrosine 370 retained).
Molecular consequence: synonymous variant. On other transcripts: non-coding transcript variant (1).
Genome position (GRCh38, 1-based): chr2:25,247,063, G>A on the plus strand (C>T on the coding strand, the complement: DNMT3A is on the minus strand). VCF-style: chr2-25247063-G-A. GRCh37 (hg19) VCF-style: chr2-25469932-G-A.
Other names: c.654C>T, p.Tyr218= (NM_001320893.1); c.441C>T, p.Tyr147= (NM_001375819.1); c.543C>T, p.Tyr181= (NM_153759.3); c.1110C>T, p.Tyr370= (NM_175629.2); c.1110C>T (NM_022552.3).
Identifiers: ClinVar variation 2181158 (VCV002181158.28), dbSNP rs771316153, ClinGen allele CA1556164.

ClinVar aggregate classification (germline): Likely benign. Review status: criteria provided, multiple submitters, no conflicts (2 of 4 stars). 4 submissions from 4 submitters: Likely benign (3). 1 of the submissions does not count toward it. Last evaluated 2025-08-12.

Conditions:
DNMT3A-related disorder. Also called: DNMT3A-related disorders; DNMT3A-related condition.
Inborn genetic diseases. Identifiers: MedGen C0950123, MeSH D030342.
Tatton-Brown-Rahman overgrowth syndrome. Also called: Tatton-Brown-Rahman syndrome; Tall stature-intellectual disability-facial dysmorphism syndrome. Identifiers: Orphanet 404443, MedGen C4014545, MONDO:0014382, OMIM 615879.

Allele frequency attached by ClinVar (database versions not stated): TOPMed 0.00002; ExAC 0.00003; gnomAD 0.00003.
gnomAD v4.1: 23 of 1,613,930 alleles (0.0014%); highest among the groups gnomAD compares: East Asian, 0.0022%; no homozygotes.

Submissions (4):

Labcorp Genetics (formerly Invitae), Labcorp
Classification: Likely benign for Tatton-Brown-Rahman overgrowth syndrome. Last evaluated: 2025-08-12. Review status: criteria provided, single submitter. Criteria: Invitae Variant Classification Sherloc (09022015). Collection method: clinical testing. Allele origin: germline.

Ambry Genetics
Classification: Likely benign for Inborn genetic diseases. Last evaluated: 2024-11-22. Review status: criteria provided, single submitter. Criteria: Ambry Variant Classification Scheme 2023. Collection method: clinical testing. Allele origin: germline.

CeGaT Center for Human Genetics Tuebingen
Classification: Likely benign. Last evaluated: 2024-02-01. Review status: criteria provided, single submitter. Criteria: CeGaT Center For Human Genetics Tuebingen Variant Classification Criteria Version 2. Collection method: clinical testing. Allele origin: germline. Affected: yes. Observed: 1 variant allele.
Comment: DNMT3A: BP4, BP7

PreventionGenetics, part of Exact Sciences
Classification: Likely benign for DNMT3A-related condition. Last evaluated: 2022-01-13. Review status: no assertion criteria provided. Collection method: clinical testing. Allele origin: germline. Not counted in ClinVar's aggregate classification.
Comment: This variant is classified as likely benign based on ACMG/AMP sequence variant interpretation guidelines (Richards et al. 2015 PMID: 25741868, with internal and published modifications).